The following is an entry in ClinVar:

ClinVar aggregate classification (germline): Uncertain significance (1 of 4 stars; one submission).

Conditions:
Thrombocytopenia 2 (THC2). Also called: ANKRD26-Related Thrombocytopenia. Identifiers: Orphanet 268322, MedGen C1861185, MONDO:0008555, OMIM 188000.

Submission:

St. Jude Molecular Pathology, St. Jude Children's Research Hospital
Classification: Uncertain significance for Thrombocytopenia 2. Last evaluated: 2025-02-05. Review status: criteria provided, single submitter. Criteria: St. Jude Assertion Criteria 2020. Collection method: clinical testing. Allele origin: germline.
Comment: The ANKRD26 c.2555A>G (p.Asn852Ser) missense change is absent in gnomAD v2.1.1. This variant is not located in the 5' UTR. The in silico tool REVEL predicts a benign effect on protein function, but this prediction has not been confirmed by functional studies. This variant has not been reported in individuals with ANKRD26-related thrombocytopenia. In summary, the evidence currently available is insufficient to determine the clinical significance of this variant. It has therefore been classified as of uncertain significance.

NM_014915.3(ANKRD26):c.2555A>G (p.Asn852Ser)

Gene: ANKRD26 (ankyrin repeat domain 26; minus strand). Cytogenetic location: 10p12.1.
Variant type: single nucleotide variant.
Coding change: c.2555A>G on transcript NM_014915.3 (MANE Select); coding-DNA position 2555, A replaced by G.
Protein change: p.Asn852Ser; replaces asparagine 852 with serine.
Molecular consequence: missense variant.
Genome position (GRCh38, 1-based): chr10:27,037,875, T>C on the plus strand (A>G on the coding strand, the complement: ANKRD26 is on the minus strand). VCF-style: chr10-27037875-T-C. GRCh37 (hg19) VCF-style: chr10-27326804-T-C.
Other names: c.2552A>G, p.Asn851Ser (NM_001256053.2); short protein forms N851S, N852S.
Identifiers: ClinVar variation 3602716 (VCV003602716.1).